The following is an entry in ClinVar:

NM_001164508.2(NEB):c.16911A>G (p.Pro5637=)

Gene: NEB (nebulin; minus strand). Cytogenetic location: 2q23.3.
Variant type: single nucleotide variant.
Coding change: c.16911A>G on transcript NM_001164508.2 (MANE Select); coding-DNA position 16911, A replaced by G.
Protein change: p.Pro5637=; no amino-acid change (proline 5637 retained).
Molecular consequence: synonymous variant.
Genome position (GRCh38, 1-based): chr2:151,575,797, T>C on the plus strand (A>G on the coding strand, the complement: NEB is on the minus strand). VCF-style: chr2-151575797-T-C. GRCh37 (hg19) VCF-style: chr2-152432311-T-C.
Other names: p.Pro5637=; c.16911A>G, p.Pro5637= (NM_001164507.2, NM_001271208.2); c.11808A>G, p.Pro3936= (NM_004543.5).
Identifiers: ClinVar variation 95106 (VCV000095106.35), dbSNP rs33988153, ClinGen allele CA148187.

ClinVar aggregate classification (germline): Benign/Likely benign. Review status: criteria provided, multiple submitters, no conflicts (2 of 4 stars). 15 submissions from 14 submitters: Benign (12); Likely benign (1). 2 of the submissions do not count toward it. Last evaluated 2026-02-04.

Conditions:
Arthrogryposis multiplex congenita 6. Identifiers: MedGen C5543431, MONDO:0030281, OMIM 619334.
Nemaline myopathy 2 (NEM2). Also called: Nemaline myopathy 2, autosomal recessive. Identifiers: MedGen C1850569, MONDO:0009725, OMIM 256030.

Allele frequency attached by ClinVar (database versions not stated): 1000 Genomes Project 30x 0.10993; 1000 Genomes Project 0.11022; TOPMed 0.15836; gnomAD 0.17353 and 0.17490; ESP Exome Variant Server 0.18937; gnomAD exomes 0.19639; ExAC 0.19843.
gnomAD v4.1: 345,647 of 1,576,262 alleles (22%); highest among the groups gnomAD compares: Middle Eastern, 25%; 41,883 homozygotes.

Submissions (15):

Labcorp Genetics (formerly Invitae), Labcorp
Classification: Benign for Nemaline myopathy 2. Last evaluated: 2026-02-04. Review status: criteria provided, single submitter. Criteria: Invitae Variant Classification Sherloc (09022015). Collection method: clinical testing. Allele origin: germline.

Blueprint Genetics
Classification: Likely benign. Last evaluated: 2024-11-26. Review status: criteria provided, single submitter. Criteria: ACMG Guidelines, 2015. Collection method: clinical testing. Allele origin: germline.

Genome-Nilou Lab
Classification: Benign for Arthrogryposis multiplex congenita 6. Last evaluated: 2021-07-10. Review status: criteria provided, single submitter. Criteria: ACMG Guidelines, 2015. Collection method: clinical testing. Allele origin: germline. Affected: no.

Genome-Nilou Lab
Classification: Benign for Nemaline myopathy 2. Last evaluated: 2021-07-10. Review status: criteria provided, single submitter. Criteria: ACMG Guidelines, 2015. Collection method: clinical testing. Allele origin: germline. Affected: no.

Athena Diagnostics
Classification: Benign. Last evaluated: 2019-03-04. Review status: criteria provided, single submitter. Criteria: Athena Diagnostics Criteria. Collection method: clinical testing. Allele origin: germline.

Illumina Laboratory Services, Illumina
Classification: Benign for Nemaline myopathy 2. Last evaluated: 2018-01-13. Review status: criteria provided, single submitter. Criteria: ICSL Variant Classification Criteria 13 December 2019. Collection method: clinical testing. Allele origin: germline.
Comment: This variant was observed in the ICSL laboratory as part of a predisposition screen in an ostensibly healthy population. It had not been previously curated by ICSL or reported in the Human Gene Mutation Database (HGMD: prior to June 1st, 2018), and was therefore a candidate for classification through an automated scoring system. Utilizing variant allele frequency, disease prevalence and penetrance estimates, and inheritance mode, an automated score was calculated to assess if this variant is too frequent to cause the disease. Based on the score and internal cut-off values, a variant classified as benign is not then subjected to further curation. The score for this variant resulted in a classification of benign for this disease.

Women's Health and Genetics/Laboratory Corporation of America, LabCorp
Classification: Benign. Last evaluated: 2018-01-02. Review status: criteria provided, single submitter. Criteria: LabCorp Variant Classification Summary - May 2015. Collection method: clinical testing. Allele origin: germline.
Comment: Variant summary: The NEB c.16911A>G (p.Pro5637Pro) variant involves the alteration of a non-conserved nucleotide located in a Nebulin repeat (IPR000900) (InterPro), resulting in a synonymous change. One in silico tool predicts a polymorphism outcome for this variant. 5/5 splice prediction tools predict no significant impact on normal splicing. However, these predictions have yet to be confirmed by functional studies. This variant was found in 53815/276434 control chromosomes (6444 homozygotes) at a frequency of 0.1946758, which is approximately 55 times the estimated maximal expected allele frequency of a pathogenic NEB variant (0.0035355), suggesting this variant is a benign polymorphism. In addition, multiple clinical diagnostic laboratories/reputable databases classified this variant as benign. The variant of interest has not, to our knowledge, been reported in affected individuals via publications and/or reputable databases/clinical diagnostic laboratories; nor evaluated for functional impact by in vivo/vitro studies. Taken together, this variant is classified as benign.

Mayo Clinic Laboratories, Mayo Clinic
Classification: Benign. Last evaluated: 2017-07-21. Review status: criteria provided, single submitter. Criteria: ACMG Guidelines, 2015. Collection method: clinical testing. Allele origin: germline. Observed: 239 variant alleles.

GeneDx
Classification: Benign. Last evaluated: 2016-01-25. Review status: criteria provided, single submitter. Criteria: GeneDx Variant Classification (06012015). Collection method: clinical testing. Allele origin: germline. Affected: yes.
Comment: This variant is considered likely benign or benign based on one or more of the following criteria: it is a conservative change, it occurs at a poorly conserved position in the protein, it is predicted to be benign by multiple in silico algorithms, and/or has population frequency not consistent with disease.

Laboratory for Molecular Medicine, Mass General Brigham Personalized Medicine
Classification: Benign. Last evaluated: 2014-11-26. Review status: criteria provided, single submitter. Criteria: LMM Criteria. Collection method: clinical testing. Allele origin: germline. Observed: 8 variant alleles.
Comment: p.Pro5637Pro in exon 107 of NEB: This variant is not expected to have clinical s ignificance because it has been identified in 25% (2064/8154) of European Americ an chromosomes by the NHLBI Exome Sequencing Project (du/EVS/; dbSNP rs33988153).

Eurofins Ntd Llc (ga)
Classification: Benign. Last evaluated: 2013-08-23. Review status: criteria provided, single submitter. Criteria: EGL Classification Definitions 2015. Collection method: clinical testing. Allele origin: germline. Observed: 1 variant allele, 1 homozygote.

Breakthrough Genomics
Classification: Benign. Review status: criteria provided, single submitter. Criteria: ACMG Guidelines, 2015. Collection method: not provided. Allele origin: germline. Inheritance: Autosomal recessive inheritance. Affected: yes.

PreventionGenetics, part of Exact Sciences
Classification: Benign. Review status: criteria provided, single submitter. Criteria: ACMG Guidelines, 2015. Collection method: clinical testing. Allele origin: germline.

Natera, Inc.
Classification: Benign for Nemaline myopathy type 2. Last evaluated: 2020-09-16. Review status: no assertion criteria provided. Collection method: clinical testing. Allele origin: germline. Not counted in ClinVar's aggregate classification.

Genetic Services Laboratory, University of Chicago
Classification: Likely benign for AllHighlyPenetrant. Review status: no assertion criteria provided. Collection method: clinical testing. Allele origin: germline. Inheritance: Autosomal recessive inheritance. Not counted in ClinVar's aggregate classification.
Comment: Likely benign based on allele frequency in 1000 Genomes Project or ESP global frequency and its presence in a patient with a rare or unrelated disease phenotype. NOT Sanger confirmed.